The following is an entry in ClinVar:

ClinVar aggregate classification (germline): Pathogenic (1 of 4 stars; one submission).

Conditions:
Curry-Hall syndrome (WAD). Also called: WEYERS ACRODENTAL DYSOSTOSIS. Identifiers: Orphanet 952, MedGen C0457013, MONDO:0008673, OMIM 193530.
Ellis-van Creveld syndrome (EVC). Also called: EVC-Related Ellis-van Creveld Syndrome; EVC2-Related Ellis-van Creveld Syndrome; MESOECTODERMAL DYSPLASIA; Chondroectodermal dysplasia. Identifiers: Orphanet 289, MedGen C0013903, MONDO:0009162, OMIM 225500.

Submission:

Labcorp Genetics (formerly Invitae), Labcorp
Classification: Pathogenic for Curry-Hall syndrome; Ellis-van Creveld syndrome. Last evaluated: 2022-11-23. Review status: criteria provided, single submitter. Criteria: Invitae Variant Classification Sherloc (09022015). Collection method: clinical testing. Allele origin: germline.
Comment: For these reasons, this variant has been classified as Pathogenic. This variant has not been reported in the literature in individuals affected with EVC2-related conditions. This variant is not present in population databases (gnomAD no frequency). This sequence change creates a premature translational stop signal (p.Gly29Alafs*32) in the EVC2 gene. It is expected to result in an absent or disrupted protein product. Loss-of-function variants in EVC2 are known to be pathogenic (PMID: 17024374, 19810119, 19876929).

Literature cited by the submitters: PubMed 17024374; PubMed 19810119; PubMed 19876929.

NM_147127.5(EVC2):c.86del (p.Gly29fs)

Gene: EVC2 (EvC ciliary complex subunit 2; minus strand). Cytogenetic location: 4p16.2.
Variant type: Deletion.
Coding change: c.86del on transcript NM_147127.5 (MANE Select); coding-DNA position 86, one base deleted (G; older notation c.86delG).
Protein change: p.Gly29fs; shifts the reading frame from glycine 29.
Molecular consequence: frameshift variant. On other transcripts: intron variant (1).
Genome position (GRCh38, 1-based): chr4:5,708,428, C deleted on the plus strand (G on the coding strand, the reverse complement: EVC2 is on the minus strand); the first of 2 consecutive C bases (chr4:5,708,428-5,708,429); deleting either gives the same sequence. VCF-style (leftmost placement, unchanged base first): chr4-5708427-GC-G. GRCh37 (hg19) VCF-style: chr4-5710154-GC-G.
Other names: c.-13+401del (NM_001166136.2); short protein forms G29fs.
Identifiers: ClinVar variation 2926901 (VCV002926901.3), dbSNP rs2474142706, ClinGen allele CA2740091153.